The following is an entry in ClinVar:

ClinVar aggregate classification (germline): Uncertain significance (1 of 4 stars; one submission).

Conditions:
DK1-congenital disorder of glycosylation. Also called: DK1-CDG; DOLK-congenital disorder of glycosylation; Carbohydrate deficient glycoprotein syndrome type 1m; CONGENITAL DISORDER OF GLYCOSYLATION, TYPE Im; CDG Im; DK1 DEFICIENCY. Identifiers: Orphanet 91131, MedGen C1835849, MONDO:0012556, OMIM 610768.

Submission:

Labcorp Genetics (formerly Invitae), Labcorp
Classification: Uncertain significance for DK1-congenital disorder of glycosylation. Last evaluated: 2022-06-28. Review status: criteria provided, single submitter. Criteria: Invitae Variant Classification Sherloc (09022015). Collection method: clinical testing. Allele origin: germline.
Comment: This variant is present in population databases (rs760249788, gnomAD 0.003%). This sequence change replaces arginine, which is basic and polar, with glycine, which is neutral and non-polar, at codon 399 of the DOLK protein (p.Arg399Gly). This variant has not been reported in the literature in individuals affected with DOLK-related conditions. In summary, the available evidence is currently insufficient to determine the role of this variant in disease. Therefore, it has been classified as a Variant of Uncertain Significance. Algorithms developed to predict the effect of missense changes on protein structure and function are either unavailable or do not agree on the potential impact of this missense change (SIFT: "Deleterious"; PolyPhen-2: "Probably Damaging"; Align-GVGD: "Class C15").

NM_014908.4(DOLK):c.1195C>G (p.Arg399Gly)

Gene: DOLK (dolichol kinase; minus strand). Cytogenetic location: 9q34.11.
Variant type: single nucleotide variant.
Coding change: c.1195C>G on transcript NM_014908.4 (MANE Select); coding-DNA position 1195, C replaced by G.
Protein change: p.Arg399Gly; replaces arginine 399 with glycine.
Molecular consequence: missense variant.
Genome position (GRCh38, 1-based): chr9:128,946,109, G>C on the plus strand (C>G on the coding strand, the complement: DOLK is on the minus strand). VCF-style: chr9-128946109-G-C. GRCh37 (hg19) VCF-style: chr9-131708388-G-C.
Other names: short protein forms R399G.
Identifiers: ClinVar variation 2157582 (VCV002157582.4), dbSNP rs760249788, ClinGen allele CA5271611.